The following is an entry in ClinVar:

NM_003773.5(HYAL2):c.591G>A (p.Val197=)

Gene: HYAL2 (hyaluronidase 2; minus strand). Cytogenetic location: 3p21.31.
Variant type: single nucleotide variant.
Coding change: c.591G>A on transcript NM_003773.5 (MANE Select); coding-DNA position 591, G replaced by A.
Protein change: p.Val197=; no amino-acid change (valine 197 retained).
Molecular consequence: synonymous variant.
Genome position (GRCh38, 1-based): chr3:50,319,899, C>T on the plus strand (G>A on the coding strand, the complement: HYAL2 is on the minus strand). VCF-style: chr3-50319899-C-T. GRCh37 (hg19) VCF-style: chr3-50357330-C-T.
Other names: c.591G>A, p.Val197= (NM_033158.5).
Identifiers: ClinVar variation 3035932 (VCV003035932.2), dbSNP rs78532114, ClinGen allele CA2416278.

ClinVar aggregate classification (germline): Likely benign (0 of 4 stars; one submission).

Conditions:
HYAL2-related disorder. Also called: HYAL2-related condition.

Allele frequency attached by ClinVar (database versions not stated): gnomAD exomes 0.00006; ExAC 0.00020; ESP Exome Variant Server 0.00062; TOPMed 0.00072; gnomAD 0.00081; 1000 Genomes Project 0.00100; 1000 Genomes Project 30x 0.00141.

Submission:

PreventionGenetics, part of Exact Sciences
Classification: Likely benign for HYAL2-related condition. Last evaluated: 2023-02-08. Review status: no assertion criteria provided. Collection method: clinical testing. Allele origin: germline.
Comment: This variant is classified as likely benign based on ACMG/AMP sequence variant interpretation guidelines (Richards et al. 2015 PMID: 25741868, with internal and published modifications).